The following is an entry in ClinVar:

NM_004064.5(CDKN1B):c.94C>T (p.Leu32Phe)

Gene: CDKN1B (cyclin dependent kinase inhibitor 1B; plus strand). Cytogenetic location: 12p13.1.
Variant type: single nucleotide variant.
Coding change: c.94C>T on transcript NM_004064.5 (MANE Select); coding-DNA position 94, C replaced by T.
Protein change: p.Leu32Phe; replaces leucine 32 with phenylalanine.
Molecular consequence: missense variant.
Genome position (GRCh38, 1-based): chr12:12,717,933, C>T. VCF-style: chr12-12717933-C-T. GRCh37 (hg19) VCF-style: chr12-12870867-C-T.
Other names: c.94C>T (NM_004064.3); short protein forms L32F.
Identifiers: ClinVar variation 1419667 (VCV001419667.10), dbSNP rs2136355531, ClinGen allele CA383968517.

ClinVar aggregate classification (germline): Uncertain significance. Review status: criteria provided, multiple submitters, no conflicts (2 of 4 stars). 3 submissions from 3 submitters: Uncertain significance (3). Last evaluated 2025-01-06.

Conditions:
Hereditary cancer-predisposing syndrome. Also called: Tumor predisposition; Hereditary neoplastic syndrome; Neoplastic Syndromes, Hereditary; Hereditary Cancer Syndrome. Identifiers: Orphanet 140162, MedGen C0027672, MeSH D009386, MONDO:0015356.
Multiple endocrine neoplasia type 4. Also called: MULTIPLE ENDOCRINE NEOPLASIA, TYPE IV. Identifiers: Orphanet 276152, MedGen C1970712, MONDO:0012552, OMIM 610755.

Submissions (3):

Ambry Genetics
Classification: Uncertain significance for Hereditary cancer-predisposing syndrome. Last evaluated: 2025-01-06. Review status: criteria provided, single submitter. Criteria: Ambry Variant Classification Scheme 2023. Collection method: clinical testing. Allele origin: germline.
Comment: The p.L32F variant (also known as c.94C>T), located in coding exon 1 of the CDKN1B gene, results from a C to T substitution at nucleotide position 94. The leucine at codon 32 is replaced by phenylalanine, an amino acid with highly similar properties. This amino acid position is highly conserved in available vertebrate species. In addition, this alteration is predicted to be deleterious by in silico analysis. Based on the available evidence, the clinical significance of this variant remains unclear.

Blueprint Genetics
Classification: Uncertain significance. Last evaluated: 2022-08-15. Review status: criteria provided, single submitter. Criteria: ACMG Guidelines, 2015. Collection method: clinical testing. Allele origin: germline.

Labcorp Genetics (formerly Invitae), Labcorp
Classification: Uncertain significance for Multiple endocrine neoplasia type 4. Last evaluated: 2020-12-20. Review status: criteria provided, single submitter. Criteria: Invitae Variant Classification Sherloc (09022015). Collection method: clinical testing. Allele origin: germline.
Comment: This sequence change replaces leucine with phenylalanine at codon 32 of the CDKN1B protein (p.Leu32Phe). The leucine residue is highly conserved and there is a small physicochemical difference between leucine and phenylalanine. In summary, the available evidence is currently insufficient to determine the role of this variant in disease. Therefore, it has been classified as a Variant of Uncertain Significance. Algorithms developed to predict the effect of missense changes on protein structure and function are either unavailable or do not agree on the potential impact of this missense change (SIFT: "Deleterious"; PolyPhen-2: "Probably Damaging"; Align-GVGD: "Class C15"). This variant has not been reported in the literature in individuals with CDKN1B-related conditions. This variant is not present in population databases (ExAC no frequency).